The following is an entry in ClinVar:

ClinVar aggregate classification (germline): Uncertain significance. Review status: criteria provided, multiple submitters, no conflicts (2 of 4 stars). 2 submissions from 2 submitters: Uncertain significance (2). Last evaluated 2026-09-14.

Conditions:
LOXHD1-related disorder. Also called: LOXHD1-related condition.

Allele frequency attached by ClinVar (database versions not stated): gnomAD 0.00005; TOPMed 0.00005.
gnomAD v4.1: 9 of 1,551,548 alleles (0.00058%); highest among the groups gnomAD compares: African/African-American, 0.012%; no homozygotes.

Submissions (2):

PreventionGenetics, part of Exact Sciences
Classification: Uncertain significance for LOXHD1-related condition. Last evaluated: 2026-09-14. Review status: criteria provided, single submitter. Criteria: ACMG Guidelines, 2015. Collection method: clinical testing. Allele origin: germline.
Comment: The LOXHD1 c.1475A>C variant is predicted to result in the amino acid substitution p.Asp492Ala. In an alternative transcript (NM_001145472) this variant is described as c.1763A>C and results in the missense variant p.Asp588Ala. To our knowledge, this variant has not been reported in the literature. This variant is reported in 0.011% of alleles in individuals of African descent in gnomAD. At this time, the clinical significance of this variant is uncertain due to the absence of conclusive functional and genetic evidence.

Laboratory for Molecular Medicine, Mass General Brigham Personalized Medicine
Classification: Uncertain significance. Last evaluated: 2022-02-15. Review status: criteria provided, single submitter. Criteria: ACMG Guidelines, 2015. Collection method: clinical testing. Allele origin: germline.
Comment: The p.Asp588Ala variant in LOXHD1 has not been previously reported in individuals with hearing loss but has been identified in 0.01% (1/8706) of African chromosomes by gnomAD. Computational prediction tools and conservation analyses suggest that this variant may impact the protein, though this information is not predictive enough to determine pathogenicity. In summary, the clinical significance of this variant is uncertain. ACMG/AMP Criteria applied: PM2_P, PP3.

NM_001384474.1(LOXHD1):c.5096A>C (p.Asp1699Ala)

Gene: LOXHD1 (lipoxygenase homology PLAT domains 1; minus strand). Cytogenetic location: 18q21.1.
Variant type: single nucleotide variant.
Coding change: c.5096A>C on transcript NM_001384474.1 (MANE Select); coding-DNA position 5096, A replaced by C.
Protein change: p.Asp1699Ala; replaces aspartic acid 1699 with alanine.
Molecular consequence: missense variant. On other transcripts: intron variant (1).
Genome position (GRCh38, 1-based): chr18:46,521,272, T>G on the plus strand (A>C on the coding strand, the complement: LOXHD1 is on the minus strand). VCF-style: chr18-46521272-T-G. GRCh37 (hg19) VCF-style: chr18-44101235-T-G.
Other names: c.1475A>C (NM_001308013.1); c.1763A>C, p.Asp588Ala (NM_001145472.3); c.1475A>C, p.Asp492Ala (NM_001308013.2); c.5085+829A>C (NM_144612.7); short protein forms D1699A, D492A, D588A.
Identifiers: ClinVar variation 3075840 (VCV003075840.2), dbSNP rs899218889, ClinGen allele CA299800769.